The following is an entry in ClinVar:

ClinVar aggregate classification (germline): Uncertain significance (1 of 4 stars; one submission).

Submission:

GeneDx
Classification: Uncertain significance. Last evaluated: 2025-02-23. Review status: criteria provided, single submitter. Criteria: GeneDx Variant Classification Process June 2021. Collection method: clinical testing. Allele origin: germline. Affected: yes.
Comment: Not observed at significant frequency in large population cohorts (gnomAD); In silico analysis supports that this missense variant has a deleterious effect on protein structure/function; Has not been previously published as pathogenic or benign to our knowledge.

NM_006445.4(PRPF8):c.5831A>G (p.His1944Arg)

Gene: PRPF8 (pre-mRNA processing factor 8; minus strand). Cytogenetic location: 17p13.3.
Variant type: single nucleotide variant.
Coding change: c.5831A>G on transcript NM_006445.4 (MANE Select); coding-DNA position 5831, A replaced by G.
Protein change: p.His1944Arg; replaces histidine 1944 with arginine.
Molecular consequence: missense variant.
Genome position (GRCh38, 1-based): chr17:1,655,506, T>C on the plus strand (A>G on the coding strand, the complement: PRPF8 is on the minus strand). VCF-style: chr17-1655506-T-C. GRCh37 (hg19) VCF-style: chr17-1558800-T-C.
Other names: short protein forms H1944R.
Identifiers: ClinVar variation 4076520 (VCV004076520.1).